The following is an entry in ClinVar:

NM_004526.4(MCM2):c.2179G>A (p.Ala727Thr)

Gene: MCM2 (minichromosome maintenance complex component 2; plus strand). Cytogenetic location: 3q21.3.
Variant type: single nucleotide variant.
Coding change: c.2179G>A on transcript NM_004526.4 (MANE Select); coding-DNA position 2179, G replaced by A.
Protein change: p.Ala727Thr; replaces alanine 727 with threonine.
Molecular consequence: missense variant. On other transcripts: non-coding transcript variant (1).
Genome position (GRCh38, 1-based): chr3:127,619,192, G>A. VCF-style: chr3-127619192-G-A. GRCh37 (hg19) VCF-style: chr3-127338035-G-A.
Other names: short protein forms A727T.
Identifiers: ClinVar variation 684166 (VCV000684166.12), dbSNP rs2307313, ClinGen allele CA2596134.
Genomic context (GRCh38, chr3:127,619,192, plus strand): 5'-CCCAACACGTATGGCGTGGAGCCCCTGCCCCAGGAGGTCCTGAAGAAGTACATCATCTAC[G>A]CCAAGGAGAGGGTCCACCCGAAGCTCAACCAGATGGACCAGGACAAGGTGGCCAAGATGT-3'
Protein context (NP_004517.2, residues 717-737): QEVLKKYIIY[Ala727Thr]KERVHPKLNQ

ClinVar aggregate classification (germline): Benign. Review status: criteria provided, multiple submitters, no conflicts (2 of 4 stars). 3 submissions from 3 submitters: Benign (3). Last evaluated 2026-01-25.

Allele frequency attached by ClinVar (database versions not stated): gnomAD exomes 0.00065 and 0.00153; ExAC 0.00181; 1000 Genomes Project 0.00519; gnomAD 0.00534 and 0.00573; 1000 Genomes Project 30x 0.00578; TOPMed 0.00622; ESP Exome Variant Server 0.00638.
gnomAD v4.1: 1,780 of 1,614,184 alleles (0.11%); highest among the groups gnomAD compares: African/African-American, 1.8%; 15 homozygotes.

Submissions (3):

Labcorp Genetics (formerly Invitae), Labcorp
Classification: Benign. Last evaluated: 2026-01-25. Review status: criteria provided, single submitter. Criteria: Invitae Variant Classification Sherloc (09022015). Collection method: clinical testing. Allele origin: germline.

GeneDx
Classification: Benign. Last evaluated: 2018-05-24. Review status: criteria provided, single submitter. Criteria: GeneDx Variant Classification (06012015). Collection method: clinical testing. Allele origin: germline. Affected: yes.
Comment: This variant is considered likely benign or benign based on one or more of the following criteria: it is a conservative change, it occurs at a poorly conserved position in the protein, it is predicted to be benign by multiple in silico algorithms, and/or has population frequency not consistent with disease.

Breakthrough Genomics
Classification: Benign. Review status: criteria provided, single submitter. Criteria: ACMG Guidelines, 2015. Collection method: not provided. Allele origin: germline. Inheritance: Autosomal dominant inheritance. Affected: yes.